The following is an entry in ClinVar:

NM_001330078.2(NRXN1):c.659G>C (p.Gly220Ala)

Gene: NRXN1 (neurexin 1; minus strand). Cytogenetic location: 2p16.3.
Variant type: single nucleotide variant.
Coding change: c.659G>C on transcript NM_001330078.2 (MANE Select); coding-DNA position 659, G replaced by C.
Protein change: p.Gly220Ala; replaces glycine 220 with alanine.
Molecular consequence: missense variant.
Genome position (GRCh38, 1-based): chr2:51,027,615, C>G on the plus strand (G>C on the coding strand, the complement: NRXN1 is on the minus strand). VCF-style: chr2-51027615-C-G. GRCh37 (hg19) VCF-style: chr2-51254753-C-G.
Other names: c.659G>C, p.Gly220Ala (NM_001135659.3, NM_001330077.2, NM_001330079.2 and 15 more transcripts); short protein forms G220A.
Identifiers: ClinVar variation 1718465 (VCV001718465.6), dbSNP rs1301882951, ClinGen allele CA346823553.
Genomic context (GRCh38, chr2:51,027,615, plus strand): 5'-TGGTCGTCCACCACGGAGCACACACCTCCGTTGAGGCACACCCCGCCCTCGCCCTCCTCG[C>G]CCGCCTCGCACGGGCTTCCCCCGCCGCTGTTGGGCGGCTCATCGTCCAGCTTCACCTCGC-3'
Protein context (NP_001317007.1, residues 210-230): NSGGGSPCEA[Gly220Ala]EEGEGGVCLN

ClinVar aggregate classification (germline): Uncertain significance (1 of 4 stars; one submission).

Conditions:
Pitt-Hopkins-like syndrome 2 (PTHSL2). Identifiers: Orphanet 221150, Orphanet 600663, MedGen C3280479, MONDO:0013690, OMIM 614325.

Submission:

Labcorp Genetics (formerly Invitae), Labcorp
Classification: Uncertain significance for Pitt-Hopkins-like syndrome 2. Last evaluated: 2024-05-24. Review status: criteria provided, single submitter. Criteria: Invitae Variant Classification Sherloc (09022015). Collection method: clinical testing. Allele origin: germline.
Comment: This sequence change replaces glycine, which is neutral and non-polar, with alanine, which is neutral and non-polar, at codon 220 of the NRXN1 protein (p.Gly220Ala). This variant is not present in population databases (gnomAD no frequency). This variant has not been reported in the literature in individuals affected with NRXN1-related conditions. ClinVar contains an entry for this variant (Variation ID: 1718465). An algorithm developed to predict the effect of missense changes on protein structure and function (PolyPhen-2) suggests that this variant is likely to be tolerated. In summary, the available evidence is currently insufficient to determine the role of this variant in disease. Therefore, it has been classified as a Variant of Uncertain Significance.